The following is an entry in ClinVar:

ClinVar aggregate classification (germline): Benign/Likely benign. Review status: criteria provided, multiple submitters, no conflicts (2 of 4 stars). 5 submissions from 5 submitters: Benign (2); Likely benign (3). Last evaluated 2025-07-27.

Allele frequency attached by ClinVar (database versions not stated): gnomAD exomes 0.00032 and 0.00078; ExAC 0.00104; gnomAD 0.00261 and 0.00280; TOPMed 0.00328; 1000 Genomes Project 0.00359; 1000 Genomes Project 30x 0.00359; ESP Exome Variant Server 0.00416.
gnomAD v4.1: 943 of 1,613,768 alleles (0.058%); highest among the groups gnomAD compares: African/African-American, 0.98%; 8 homozygotes.

Submissions (5):

Labcorp Genetics (formerly Invitae), Labcorp
Classification: Benign. Last evaluated: 2025-07-27. Review status: criteria provided, single submitter. Criteria: Invitae Variant Classification Sherloc (09022015). Collection method: clinical testing. Allele origin: germline.

Blueprint Genetics
Classification: Likely benign. Last evaluated: 2024-09-16. Review status: criteria provided, single submitter. Criteria: ACMG Guidelines, 2015. Collection method: clinical testing. Allele origin: germline.

GeneDx
Classification: Likely benign. Last evaluated: 2021-03-31. Review status: criteria provided, single submitter. Criteria: GeneDx Variant Classification Process June 2021. Collection method: clinical testing. Allele origin: germline. Affected: yes.
Comment: Observed in 0.0999% (282/282330 alleles) in large population cohorts (Lek et al., 2016); This variant is associated with the following publications: (PMID: 25271085)

Center for Pediatric Genomic Medicine, Children's Mercy Hospital and Clinics
Classification: Benign. Last evaluated: 2016-12-30. Review status: criteria provided, single submitter. Criteria: ACMG Guidelines, 2015. Collection method: clinical testing. Allele origin: germline.

Breakthrough Genomics
Classification: Likely benign. Review status: criteria provided, single submitter. Criteria: ACMG Guidelines, 2015. Collection method: not provided. Allele origin: germline. Inheritance: Autosomal dominant inheritance. Affected: yes.

NM_207037.2(TCF12):c.1520T>G (p.Leu507Arg)

Gene: TCF12 (transcription factor 12; plus strand). Cytogenetic location: 15q21.3.
Variant type: single nucleotide variant.
Coding change: c.1520T>G on transcript NM_207037.2 (MANE Select); coding-DNA position 1520, T replaced by G.
Protein change: p.Leu507Arg; replaces leucine 507 with arginine.
Molecular consequence: missense variant.
Genome position (GRCh38, 1-based): chr15:57,262,146, T>G. VCF-style: chr15-57262146-T-G. GRCh37 (hg19) VCF-style: chr15-57554344-T-G.
Other names: c.1010T>G, p.Leu337Arg (NM_001306219.3); c.740T>G, p.Leu247Arg (NM_001306220.3); c.1520T>G, p.Leu507Arg (NM_001322151.2, NM_001322152.2, NM_001322159.3 and 2 more transcripts); c.863T>G, p.Leu288Arg (NM_001322154.2); c.1346T>G, p.Leu449Arg (NM_001322156.2); c.1448T>G, p.Leu483Arg (NM_001322157.3, NM_001322165.2, NM_003205.4 and 1 more transcripts); c.1274T>G, p.Leu425Arg (NM_001322158.2); c.1517T>G, p.Leu506Arg (NM_001322161.2); and 2 more; short protein forms L507R, L247R, L483R, L337R, L449R, L506R, L288R, L495R.
Identifiers: ClinVar variation 376986 (VCV000376986.15), dbSNP rs36060670, ClinGen allele CA7581287.